The following is an entry in ClinVar:

ClinVar aggregate classification (germline): Conflicting classifications of pathogenicity. Review status: criteria provided, conflicting classifications (1 of 4 stars). 3 submissions from 3 submitters: Uncertain significance (2); Likely benign (1). Last evaluated 2025-05-16.

Conditions:
Fanconi anemia complementation group J. Also called: BRIP1-Related Fanconi Anemia. Identifiers: Orphanet 84, MedGen C1836860, MONDO:0012187, OMIM 609054.
Familial cancer of breast. Also called: BREAST CANCER, FAMILIAL; hereditary breast carcinoma; Hereditary breast cancer. Identifiers: Orphanet 227535, MedGen C0346153, MONDO:0016419, OMIM 114480. Disease mechanism: loss of function.
Hereditary cancer-predisposing syndrome. Also called: Tumor predisposition; Hereditary neoplastic syndrome; Neoplastic Syndromes, Hereditary; Hereditary Cancer Syndrome. Identifiers: Orphanet 140162, MedGen C0027672, MeSH D009386, MONDO:0015356.

Submissions (3):

Ambry Genetics
Classification: Likely benign for Hereditary cancer-predisposing syndrome. Last evaluated: 2025-05-16. Review status: criteria provided, single submitter. Criteria: Ambry Variant Classification Scheme 2023. Collection method: clinical testing. Allele origin: germline.

Labcorp Genetics (formerly Invitae), Labcorp
Classification: Uncertain significance for Familial cancer of breast; Fanconi anemia complementation group J. Last evaluated: 2022-03-26. Review status: criteria provided, single submitter. Criteria: Invitae Variant Classification Sherloc (09022015). Collection method: clinical testing. Allele origin: germline.
Comment: In summary, the available evidence is currently insufficient to determine the role of this variant in disease. Therefore, it has been classified as a Variant of Uncertain Significance. Algorithms developed to predict the effect of missense changes on protein structure and function (SIFT, PolyPhen-2, Align-GVGD) all suggest that this variant is likely to be tolerated. ClinVar contains an entry for this variant (Variation ID: 929143). This variant has not been reported in the literature in individuals affected with BRIP1-related conditions. This variant is not present in population databases (gnomAD no frequency). This sequence change replaces valine, which is neutral and non-polar, with alanine, which is neutral and non-polar, at codon 935 of the BRIP1 protein (p.Val935Ala).

Women's Health and Genetics/Laboratory Corporation of America, LabCorp
Classification: Uncertain significance. Last evaluated: 2019-05-17. Review status: criteria provided, single submitter. Criteria: LabCorp Variant Classification Summary - May 2015. Collection method: clinical testing. Allele origin: germline.
Comment: Variant summary: BRIP1 c.2804T>C (p.Val935Ala) results in a non-conservative amino acid change in the encoded protein sequence. Four of five in-silico tools predict a benign effect of the variant on protein function. The variant was absent in 251362 control chromosomes. The available data on variant occurrences in the general population are insufficient to allow any conclusion about variant significance. To our knowledge, no occurrence of c.2804T>C in individuals affected with Hereditary Breast and Ovarian Cancer and no experimental evidence demonstrating its impact on protein function have been reported. No clinical diagnostic laboratories have submitted clinical-significance assessments for this variant to ClinVar after 2014. Based on the evidence outlined above, the variant was classified as uncertain significance.

NM_032043.3(BRIP1):c.2804T>C (p.Val935Ala)

Gene: BRIP1 (BRCA1 interacting DNA helicase 1; minus strand). Cytogenetic location: 17q23.2.
Variant type: single nucleotide variant.
Coding change: c.2804T>C on transcript NM_032043.3 (MANE Select); coding-DNA position 2804, T replaced by C.
Protein change: p.Val935Ala; replaces valine 935 with alanine.
Molecular consequence: missense variant.
Genome position (GRCh38, 1-based): chr17:61,685,937, A>G on the plus strand (T>C on the coding strand, the complement: BRIP1 is on the minus strand). VCF-style: chr17-61685937-A-G. GRCh37 (hg19) VCF-style: chr17-59763298-A-G.
Other names: short protein forms V935A.
Identifiers: ClinVar variation 929143 (VCV000929143.11), dbSNP rs4988356, ClinGen allele CA400481497.